The following is an entry in ClinVar:

ClinVar aggregate classification (germline): Likely benign (1 of 4 stars; one submission).

Submission:

CeGaT Center for Human Genetics Tuebingen
Classification: Likely benign. Last evaluated: 2023-02-01. Review status: criteria provided, single submitter. Criteria: CeGaT Center For Human Genetics Tuebingen Variant Classification Criteria Version 2. Collection method: clinical testing. Allele origin: germline. Affected: yes. Observed: 1 variant allele.
Comment: PDSS1: PM2:Supporting, BP4, BP7

NM_014317.5(PDSS1):c.840T>C (p.Val280=)

Gene: PDSS1 (decaprenyl diphosphate synthase subunit 1; plus strand). Cytogenetic location: 10p12.1.
Variant type: single nucleotide variant.
Coding change: c.840T>C on transcript NM_014317.5 (MANE Select); coding-DNA position 840, T replaced by C.
Protein change: p.Val280=; no amino-acid change (valine 280 retained).
Molecular consequence: synonymous variant. On other transcripts: intron variant (1).
Genome position (GRCh38, 1-based): chr10:26,735,248, T>C. VCF-style: chr10-26735248-T-C. GRCh37 (hg19) VCF-style: chr10-27024177-T-C.
Other names: c.330T>C, p.Val110= (NM_001321979.2); c.836-7249T>C (NM_001321978.2).
Identifiers: ClinVar variation 2640368 (VCV002640368.24), dbSNP rs2491619970, ClinGen allele CA468483123.